The following is an entry in ClinVar:

NM_000059.4(BRCA2):c.9445A>C (p.Ser3149Arg)

Gene: BRCA2 (BRCA2 DNA repair associated; plus strand). Cytogenetic location: 13q13.1.
Variant type: single nucleotide variant.
Coding change: c.9445A>C on transcript NM_000059.4 (MANE Select); coding-DNA position 9445, A replaced by C.
Protein change: p.Ser3149Arg; replaces serine 3149 with arginine.
Molecular consequence: missense variant.
Genome position (GRCh38, 1-based): chr13:32,394,877, A>C. VCF-style: chr13-32394877-A-C. GRCh37 (hg19) VCF-style: chr13-32969014-A-C.
Other names: short protein forms S3149R.
Identifiers: ClinVar variation 956955 (VCV000956955.10), dbSNP rs2073024554, ClinGen allele CA387761601.

ClinVar aggregate classification (germline): Uncertain significance (1 of 4 stars; one submission).

Conditions:
Hereditary breast ovarian cancer syndrome. Also called: Hereditary breast and ovarian cancer; Hereditary breast and/or ovarian cancer syndrome; Hereditary breast and ovarian cancer syndrome; Hereditary breast and ovarian cancer syndrome (HBOC); Breast and ovarian cancer; BRCA1- and BRCA2-Associated Hereditary Breast and Ovarian Cancer. Identifiers: Orphanet 145, MedGen C0677776, MeSH D061325, MONDO:0003582. Disease mechanism: loss of function.

Allele frequency attached by ClinVar (database versions not stated): TOPMed below 0.00001.

Submission:

Labcorp Genetics (formerly Invitae), Labcorp
Classification: Uncertain significance for Hereditary breast ovarian cancer syndrome. Last evaluated: 2019-09-23. Review status: criteria provided, single submitter. Criteria: Invitae Variant Classification Sherloc (09022015). Collection method: clinical testing. Allele origin: germline.
Comment: This sequence change replaces serine with arginine at codon 3149 of the BRCA2 protein (p.Ser3149Arg). The serine residue is moderately conserved and there is a moderate physicochemical difference between serine and arginine. In summary, the available evidence is currently insufficient to determine the role of this variant in disease. Therefore, it has been classified as a Variant of Uncertain Significance. Algorithms developed to predict the effect of missense changes on protein structure and function (SIFT, PolyPhen-2, Align-GVGD) all suggest that this variant is likely to be disruptive, but these predictions have not been confirmed by published functional studies and their clinical significance is uncertain. This variant has not been reported in the literature in individuals with BRCA2-related conditions. This variant is not present in population databases (ExAC no frequency).